The following is an entry in ClinVar:

ClinVar aggregate classification (germline): Uncertain significance (1 of 4 stars; one submission).

Conditions:
Ornithine carbamoyltransferase deficiency (OTCD). Also called: ORNITHINE TRANSCARBAMYLASE DEFICIENCY; ORNITHINE TRANSCARBAMYLASE DEFICIENCY, HYPERAMMONEMIA DUE TO; Ornithine Carbamoyltransferase Deficiency Disease; OTC DEFICIENCY. Identifiers: Orphanet 664, MedGen C0268542, MONDO:0010703, OMIM 311250.

Allele frequency attached by ClinVar (database versions not stated): gnomAD exomes below 0.00001.
gnomAD v4.1: 1 of 1,207,018 alleles (0.000083%); highest among the groups gnomAD compares: Non-Finnish European, 0.00011%; no homozygotes.

Submission:

Labcorp Genetics (formerly Invitae), Labcorp
Classification: Uncertain significance for Ornithine carbamoyltransferase deficiency. Last evaluated: 2022-01-25. Review status: criteria provided, single submitter. Criteria: Invitae Variant Classification Sherloc (09022015). Collection method: clinical testing. Allele origin: germline.
Comment: In summary, the available evidence is currently insufficient to determine the role of this variant in disease. Therefore, it has been classified as a Variant of Uncertain Significance. Advanced modeling of protein sequence and biophysical properties (such as structural, functional, and spatial information, amino acid conservation, physicochemical variation, residue mobility, and thermodynamic stability) performed at Invitae indicates that this missense variant is not expected to disrupt OTC protein function. This variant has not been reported in the literature in individuals affected with OTC-related conditions. This variant is not present in population databases (gnomAD no frequency). This sequence change replaces histidine, which is basic and polar, with glutamine, which is neutral and polar, at codon 18 of the OTC protein (p.His18Gln).

NM_000531.6(OTC):c.54C>A (p.His18Gln)

Gene: OTC (ornithine transcarbamylase; plus strand). Cytogenetic location: Xp11.4.
Variant type: single nucleotide variant.
Coding change: c.54C>A on transcript NM_000531.6 (MANE Select); coding-DNA position 54, C replaced by A.
Protein change: p.His18Gln; replaces histidine 18 with glutamine.
Molecular consequence: missense variant.
Genome position (GRCh38, 1-based): chrX:38,352,750, C>A. VCF-style: chrX-38352750-C-A. GRCh37 (hg19) VCF-style: chrX-38212003-C-A.
Other names: short protein forms H18Q.
Identifiers: ClinVar variation 1487158 (VCV001487158.6), dbSNP rs2147315516, ClinGen allele CA412713205.